The following is an entry in ClinVar:

NM_018713.3(SLC30A10):c.604C>T (p.Arg202Trp)

Gene: SLC30A10 (solute carrier family 30 member 10; minus strand). Cytogenetic location: 1q41.
Variant type: single nucleotide variant.
Coding change: c.604C>T on transcript NM_018713.3 (MANE Select); coding-DNA position 604, C replaced by T.
Protein change: p.Arg202Trp; replaces arginine 202 with tryptophan.
Molecular consequence: missense variant. On other transcripts: 5 prime UTR variant (1), intron variant (1).
Genome position (GRCh38, 1-based): chr1:219,927,837, G>A on the plus strand (C>T on the coding strand, the complement: SLC30A10 is on the minus strand). VCF-style: chr1-219927837-G-A. GRCh37 (hg19) VCF-style: chr1-220101179-G-A.
Other names: c.-110C>T (NM_001416005.1); c.452-732C>T (NM_001376929.1); short protein forms R202W.
Identifiers: ClinVar variation 4775384 (VCV004775384.1).
Genomic context (GRCh38, chr1:219,927,837, plus strand): 5'-CCAAAGGATGCAACCGAAAGGCACCTGCTACGTTTGCGAACACGGTCGCCCCCTTCTCCC[G>A]CTTCCTTTCCACCGAGGTCCCCCGGAGGGTTACGGCCGAGTCCGAGCCTGGGGCTGTCGG-3'
Protein context (NP_061183.2, residues 192-212): TLRGTSVERK[Arg202Trp]EKGATVFANV

ClinVar aggregate classification (germline): Uncertain significance (1 of 4 stars; one submission).

Submission:

Labcorp Genetics (formerly Invitae), Labcorp
Classification: Uncertain significance. Last evaluated: 2025-09-11. Review status: criteria provided, single submitter. Criteria: Invitae Variant Classification Sherloc (09022015). Collection method: clinical testing. Allele origin: germline.
Comment: This sequence change replaces arginine, which is basic and polar, with tryptophan, which is neutral and slightly polar, at codon 202 of the SLC30A10 protein (p.Arg202Trp). This variant is not present in population databases (gnomAD no frequency). This variant has not been reported in the literature in individuals affected with SLC30A10-related conditions. Invitae Evidence Modeling of protein sequence and biophysical properties (such as structural, functional, and spatial information, amino acid conservation, physicochemical variation, residue mobility, and thermodynamic stability) indicates that this missense variant is not expected to disrupt SLC30A10 protein function with a negative predictive value of 80%. In summary, the available evidence is currently insufficient to determine the role of this variant in disease. Therefore, it has been classified as a Variant of Uncertain Significance.